The following is an entry in ClinVar:

NM_031372.4(HNRNPDL):c.338C>T (p.Pro113Leu)

Gene: HNRNPDL (heterogeneous nuclear ribonucleoprotein D like; minus strand). Cytogenetic location: 4q21.22.
Variant type: single nucleotide variant.
Coding change: c.338C>T on transcript NM_031372.4 (MANE Select); coding-DNA position 338, C replaced by T.
Protein change: p.Pro113Leu; replaces proline 113 with leucine.
Molecular consequence: missense variant. On other transcripts: non-coding transcript variant (1).
Genome position (GRCh38, 1-based): chr4:82,429,353, G>A on the plus strand (C>T on the coding strand, the complement: HNRNPDL is on the minus strand). VCF-style: chr4-82429353-G-A. GRCh37 (hg19) VCF-style: chr4-83350506-G-A.
Other names: c.338C>T (NM_031372.3); c.338C>T, p.Pro113Leu (NM_001207000.1); short protein forms P113L.
Identifiers: ClinVar variation 2203664 (VCV002203664.5), dbSNP rs753527264, ClinGen allele CA2985037.

ClinVar aggregate classification (germline): Uncertain significance. Review status: criteria provided, multiple submitters, no conflicts (2 of 4 stars). 2 submissions from 2 submitters: Uncertain significance (2). Last evaluated 2024-01-16.

Conditions:
Autosomal dominant limb-girdle muscular dystrophy type 1G (LGMDD3). Also called: Limb-girdle muscular dystrophy, type 1G; MUSCULAR DYSTROPHY, LIMB-GIRDLE, AUTOSOMAL DOMINANT 3. Identifiers: Orphanet 55596, MedGen C1836765, MONDO:0012193, OMIM 609115.

Allele frequency attached by ClinVar (database versions not stated): ExAC 0.00002; TOPMed 0.00002; gnomAD 0.00003.
gnomAD v4.1: 46 of 1,613,336 alleles (0.0029%); highest among the groups gnomAD compares: African/African-American, 0.004%; no homozygotes.

Submissions (2):

Ambry Genetics
Classification: Uncertain significance. Last evaluated: 2024-01-16. Review status: criteria provided, single submitter. Criteria: Ambry Variant Classification Scheme 2023. Collection method: clinical testing. Allele origin: germline.

Labcorp Genetics (formerly Invitae), Labcorp
Classification: Uncertain significance for Autosomal dominant limb-girdle muscular dystrophy type 1G. Last evaluated: 2022-09-26. Review status: criteria provided, single submitter. Criteria: Invitae Variant Classification Sherloc (09022015). Collection method: clinical testing. Allele origin: germline.
Comment: This sequence change replaces proline, which is neutral and non-polar, with leucine, which is neutral and non-polar, at codon 113 of the HNRNPDL protein (p.Pro113Leu). This variant is present in population databases (rs753527264, gnomAD 0.008%). This variant has not been reported in the literature in individuals affected with HNRNPDL-related conditions. Algorithms developed to predict the effect of missense changes on protein structure and function output the following: SIFT: "Tolerated"; PolyPhen-2: "Benign"; Align-GVGD: "Class C0". The leucine amino acid residue is found in multiple mammalian species, which suggests that this missense change does not adversely affect protein function. In summary, the available evidence is currently insufficient to determine the role of this variant in disease. Therefore, it has been classified as a Variant of Uncertain Significance.